The following is an entry in ClinVar:

NM_000197.2(HSD17B3):c.599C>T (p.Ala200Val)

Genes: HSD17B3 (hydroxysteroid 17-beta dehydrogenase 3; minus strand), SLC35D2-HSD17B3 (SLC35D2-HSD17B3 readthrough; minus strand). Cytogenetic location: 9q22.32.
Variant type: single nucleotide variant.
Coding change: c.599C>T on transcript NM_000197.2 (MANE Select); coding-DNA position 599, C replaced by T.
Protein change: p.Ala200Val; replaces alanine 200 with valine.
Molecular consequence: missense variant.
Genome position (GRCh38, 1-based): chr9:96,245,352, G>A on the plus strand (C>T on the coding strand, the complement: HSD17B3 is on the minus strand). VCF-style: chr9-96245352-G-A. GRCh37 (hg19) VCF-style: chr9-99007634-G-A.
Other names: short protein forms A200V.
Identifiers: ClinVar variation 435472 (VCV000435472.14), dbSNP rs142236065, ClinGen allele CA5140343.
Genomic context (GRCh38, chr9:96,245,352, plus strand): 5'-TGGGAGAAATAAGAGGAAGAAGGAAGAGACTTGGAAGTCATGACATCACTCACCTTGGAA[G>A]CTGAGTACATGGAGTAGAGAGGCCAAGGAAACAGGGCTATCCCAGAAGAAATGTTCAGGA-3'
Protein context (NP_000188.1, residues 190-210): FPWPLYSMYS[Ala200Val]SKAFVCAFSK

ClinVar aggregate classification (germline): Conflicting classifications of pathogenicity. Review status: criteria provided, conflicting classifications (1 of 4 stars). 5 submissions from 5 submitters: Likely pathogenic (4); Uncertain significance (1). Last evaluated 2024-12-10.

Conditions:
Testosterone 17-beta-dehydrogenase deficiency. Also called: 17-beta hydroxysteroid dehydrogenase 3 deficiency; 46,XY disorder of sex development due to 17-beta-hydroxysteroid dehydrogenase 3 deficiency; Pseudohermaphroditism male with gynecomastia; 17 alpha ketosteroid reductase deficiency of testis; 17 alpha KSR deficiency; Neutral 17 beta hydroxysteroid oxidoreductase deficiency. Identifiers: Orphanet 752, MedGen C0268296, MONDO:0009916, OMIM 264300. Disease mechanism: loss of function.

Allele frequency attached by ClinVar (database versions not stated): ExAC 0.00002; gnomAD exomes 0.00002 and 0.00004; gnomAD 0.00003 and 0.00004; TOPMed 0.00004; ESP Exome Variant Server 0.00015.
gnomAD v4.1: 64 of 1,611,610 alleles (0.004%); highest among the groups gnomAD compares: Non-Finnish European, 0.0051%; no homozygotes.

Submissions (5):

Women's Health and Genetics/Laboratory Corporation of America, LabCorp
Classification: Likely pathogenic for Testosterone 17-beta-dehydrogenase deficiency. Last evaluated: 2024-12-10. Review status: criteria provided, single submitter. Criteria: LabCorp Variant Classification Summary - May 2015. Collection method: clinical testing. Allele origin: germline.
Comment: Variant summary: HSD17B3 c.599C>T (p.Ala200Val) results in a non-conservative amino acid change located in the NAD(P)-binding Rossmann-fold domain (IPR036291) of the encoded protein sequence. Five of five in-silico tools predict a damaging effect of the variant on protein function. The variant allele was found at a frequency of 1.6e-05 in 251332 control chromosomes. c.599C>T has been reported in the literature in individuals with clinical features of Testosterone 17-beta-dehydrogenase deficiency, including at least one compound heterozygote (e.g. Phelan_2015, Labcorp (formerly Invitae)). These data indicate that the variant may be associated with disease. At least one publication reports experimental evidence evaluating an impact on protein function. The most pronounced variant effect results in <10% of normal enzyme activity in vitro (e.g. Yazawa_2020). The following publications have been ascertained in the context of this evaluation (PMID: 25740850, 31614207). ClinVar contains an entry for this variant (Variation ID: 435472). Based on the evidence outlined above, the variant was classified as likely pathogenic.

GeneDx
Classification: Likely pathogenic. Last evaluated: 2024-05-20. Review status: criteria provided, single submitter. Criteria: GeneDx Variant Classification Process June 2021. Collection method: clinical testing. Allele origin: germline. Affected: yes.
Comment: Published functional studies demonstrate a deleterious effect on enzymatic function (PMID: 31614207); In silico analysis supports that this missense variant has a deleterious effect on protein structure/function; This variant is associated with the following publications: (PMID: 36606580, Yazawa2021 [abstract], 25740850, 31614207)

Clinical Biochemistry Laboratory, Health Services Laboratory
Classification: Likely pathogenic for Testosterone 17-beta-dehydrogenase deficiency. Last evaluated: 2023-11-20. Review status: criteria provided, single submitter. Criteria: ACMG Guidelines, 2015. Collection method: clinical testing. Allele origin: germline. Affected: yes.
Comment: ACMG:PM1 PM2 PP2 PP3 PP5

Labcorp Genetics (formerly Invitae), Labcorp
Classification: Uncertain significance. Last evaluated: 2021-10-26. Review status: criteria provided, single submitter. Criteria: Invitae Variant Classification Sherloc (09022015). Collection method: clinical testing. Allele origin: germline.
Comment: This sequence change replaces alanine, which is neutral and non-polar, with valine, which is neutral and non-polar, at codon 200 of the HSD17B3 protein (p.Ala200Val). This variant is present in population databases (rs142236065, gnomAD 0.007%). This missense change has been observed in individual(s) with clinical features of 17-beta hydroxysteroid dehydrogenase 3 deficiency (PMID: 25740850; Invitae). ClinVar contains an entry for this variant (Variation ID: 435472). Advanced modeling of protein sequence and biophysical properties (such as structural, functional, and spatial information, amino acid conservation, physicochemical variation, residue mobility, and thermodynamic stability) performed at Invitae indicates that this missense variant is expected to disrupt HSD17B3 protein function. In summary, the available evidence is currently insufficient to determine the role of this variant in disease. Therefore, it has been classified as a Variant of Uncertain Significance.

Genetic Services Laboratory, University of Chicago
Classification: Likely pathogenic for Pseudohermaphroditism, male, with gynecomastia. Last evaluated: 2016-09-02. Review status: criteria provided, single submitter. Criteria: ACMG Guidelines, 2015. Collection method: clinical testing. Allele origin: germline. Affected: yes.

Literature cited by the submitters: PubMed 25740850 (cited by 3 submitters); PubMed 31614207 (cited by Women's Health and Genetics/Laboratory Corporation of America, LabCorp).